The following is an entry in ClinVar:

NM_019066.5(MAGEL2):c.3418_3420delinsT (p.Gly1140fs)

Gene: MAGEL2 (MAGE family member L2; minus strand). Cytogenetic location: 15q11.2.
Variant type: Indel.
Coding change: c.3418_3420delinsT on transcript NM_019066.5 (MANE Select); coding-DNA positions 3418 to 3420, GGG replaced by T.
Protein change: p.Gly1140fs; shifts the reading frame from glycine 1140.
Molecular consequence: frameshift variant.
Genome position (GRCh38, 1-based): chr15:23,644,323-23,644,325, CCC replaced by A on the plus strand (GGG replaced by T on the coding strand, the reverse complement: MAGEL2 is on the minus strand). VCF-style: chr15-23644323-CCC-A. GRCh37 (hg19) VCF-style: chr15-23889470-CCC-A.
Other names: short protein forms G1140fs.
Identifiers: ClinVar variation 4527387 (VCV004527387.1).

ClinVar aggregate classification (germline): Uncertain significance (1 of 4 stars; one submission).

Submission:

GeneDx
Classification: Uncertain significance. Last evaluated: 2025-04-22. Review status: criteria provided, single submitter. Criteria: GeneDx Variant Classification Process June 2021. Collection method: clinical testing. Allele origin: germline. Affected: yes.
Comment: Not observed at significant frequency in large population cohorts (gnomAD); Frameshift variant predicted to result in abnormal protein length as the last 110 amino acids are replaced with 13 different amino acids; Has not been previously published as pathogenic or benign to our knowledge